The following is an entry in ClinVar:

ClinVar aggregate classification (germline): Conflicting classifications of pathogenicity. Review status: criteria provided, conflicting classifications (1 of 4 stars). 3 submissions from 3 submitters: Uncertain significance (2); Likely benign (1). Last evaluated 2024-08-13.

Conditions:
Hereditary cancer-predisposing syndrome. Also called: Hereditary Cancer Syndrome; Neoplastic Syndromes, Hereditary; Tumor predisposition; Hereditary neoplastic syndrome. Identifiers: Orphanet 140162, MedGen C0027672, MeSH D009386, MONDO:0015356.
Ataxia-telangiectasia syndrome (AT). Also called: Ataxia-telangiectasia, complementation group D; AT, COMPLEMENTATION GROUP C; ATAXIA-TELANGIECTASIA, COMPLEMENTATION GROUP A; ATAXIA-TELANGIECTASIA, FRESNO VARIANT; Ataxia-telangiectasia; LOUIS-BAR SYNDROME. Identifiers: Orphanet 100, MedGen C0004135, MONDO:0008840, OMIM 208900.

Allele frequency attached by ClinVar (database versions not stated): gnomAD exomes below 0.00001.
gnomAD v4.1: 1 of 1,614,074 alleles (0.000062%); highest among the groups gnomAD compares: South Asian, 0.0011%; no homozygotes.

Submissions (3):

Labcorp Genetics (formerly Invitae), Labcorp
Classification: Uncertain significance for Ataxia-telangiectasia syndrome. Last evaluated: 2024-08-13. Review status: criteria provided, single submitter. Criteria: Invitae Variant Classification Sherloc (09022015). Collection method: clinical testing. Allele origin: germline.
Comment: This sequence change replaces threonine, which is neutral and polar, with alanine, which is neutral and non-polar, at codon 915 of the ATM protein (p.Thr915Ala). This variant is not present in population databases (gnomAD no frequency). This missense change has been observed in individual(s) with clinical features of ATM-related conditions (PMID: 29470806). ClinVar contains an entry for this variant (Variation ID: 186637). An algorithm developed to predict the effect of missense changes on protein structure and function outputs the following: PolyPhen-2: "Benign". The alanine amino acid residue is found in multiple mammalian species, which suggests that this missense change does not adversely affect protein function. In summary, the available evidence is currently insufficient to determine the role of this variant in disease. Therefore, it has been classified as a Variant of Uncertain Significance.

Ambry Genetics
Classification: Likely benign for Hereditary cancer-predisposing syndrome. Last evaluated: 2024-06-03. Review status: criteria provided, single submitter. Criteria: Ambry Variant Classification Scheme 2023. Collection method: clinical testing. Allele origin: germline.

GeneDx
Classification: Uncertain significance. Last evaluated: 2024-02-12. Review status: criteria provided, single submitter. Criteria: GeneDx Variant Classification Process June 2021. Collection method: clinical testing. Allele origin: germline. Affected: yes.
Comment: Not observed at significant frequency in large population cohorts (gnomAD); In silico analysis supports that this missense variant does not alter protein structure/function; Observed in a patient with breast and/or ovarian cancer (PMID: 29470806); This variant is associated with the following publications: (PMID: 29470806)

Literature cited by the submitters: PubMed 29470806 (cited by Labcorp Genetics (formerly Invitae), Labcorp).

NM_000051.4(ATM):c.2743A>G (p.Thr915Ala)

Gene: ATM (ATM serine/threonine kinase; plus strand). Cytogenetic location: 11q22.3.
Variant type: single nucleotide variant.
Coding change: c.2743A>G on transcript NM_000051.4 (MANE Select); coding-DNA position 2743, A replaced by G.
Protein change: p.Thr915Ala; replaces threonine 915 with alanine.
Molecular consequence: missense variant.
Genome position (GRCh38, 1-based): chr11:108,268,514, A>G. VCF-style: chr11-108268514-A-G. GRCh37 (hg19) VCF-style: chr11-108139241-A-G.
Other names: c.2743A>G, p.Thr915Ala (NM_001351834.2); short protein forms T915A.
Identifiers: ClinVar variation 186637 (VCV000186637.13), dbSNP rs786203106, ClinGen allele CA195398.